The following is an entry in ClinVar:

NM_004044.7(ATIC):c.1767C>A (p.Leu589=)

Gene: ATIC (5-aminoimidazole-4-carboxamide ribonucleotide formyltransferase/IMP cyclohydrolase; plus strand). Cytogenetic location: 2q35.
Variant type: single nucleotide variant.
Coding change: c.1767C>A on transcript NM_004044.7 (MANE Select); coding-DNA position 1767, C replaced by A.
Protein change: p.Leu589=; no amino-acid change (leucine 589 retained).
Molecular consequence: synonymous variant.
Genome position (GRCh38, 1-based): chr2:215,349,643, C>A. VCF-style: chr2-215349643-C-A. GRCh37 (hg19) VCF-style: chr2-216214366-C-A.
Identifiers: ClinVar variation 722477 (VCV000722477.28), dbSNP rs763997198, ClinGen allele CA2093502.

ClinVar aggregate classification (germline): Likely benign. Review status: criteria provided, multiple submitters, no conflicts (2 of 4 stars). 2 submissions from 2 submitters: Likely benign (2). Last evaluated 2022-11-01.

Allele frequency attached by ClinVar (database versions not stated): gnomAD 0.00005; ExAC 0.00007; TOPMed 0.00007; gnomAD exomes 0.00008.
gnomAD v4.1: 119 of 1,614,100 alleles (0.0074%); highest among the groups gnomAD compares: Middle Eastern, 0.049%; no homozygotes.

Submissions (2):

CeGaT Center for Human Genetics Tuebingen
Classification: Likely benign. Last evaluated: 2022-11-01. Review status: criteria provided, single submitter. Criteria: CeGaT Center For Human Genetics Tuebingen Variant Classification Criteria Version 2. Collection method: clinical testing. Allele origin: germline. Affected: yes. Observed: 1 variant allele.
Comment: ATIC: BP4, BP7

Labcorp Genetics (formerly Invitae), Labcorp
Classification: Likely benign. Last evaluated: 2019-12-31. Review status: criteria provided, single submitter. Criteria: Invitae Variant Classification Sherloc (09022015). Collection method: clinical testing. Allele origin: germline.